The following is an entry in ClinVar:

ClinVar aggregate classification (germline): Benign/Likely benign. Review status: criteria provided, multiple submitters, no conflicts (2 of 4 stars). 12 submissions from 9 submitters: Benign (5); Likely benign (2). 5 of the submissions do not count toward it. Last evaluated 2026-08-01.

Conditions:
TTN-related disorder. Also called: TTN-related disorders; TTN-related condition; TTN-related disease.
Autosomal recessive limb-girdle muscular dystrophy type 2J (LGMDR10). Also called: Limb-girdle muscular dystrophy, type 2J; MUSCULAR DYSTROPHY, LIMB-GIRDLE, AUTOSOMAL RECESSIVE 10. Identifiers: Orphanet 140922, MedGen C1837342, MONDO:0012127, OMIM 608807.
Dilated cardiomyopathy 1G (CMD1G). Identifiers: Orphanet 154, MedGen C1858763, MONDO:0011400, OMIM 604145.
Early-onset myopathy with fatal cardiomyopathy (CMYO5). Also called: Salih Myopathy; CONGENITAL MYOPATHY 5 WITH CARDIOMYOPATHY. Identifiers: Orphanet 289377, MedGen C2673677, MONDO:0012714, OMIM 611705. Disease mechanism: loss of function.
Myopathy, myofibrillar, 9, with early respiratory failure (MFM9). Also called: Myopathy, distal, with early respiratory failure, autosomal dominant; EDSTROM MYOPATHY; MYOPATHY, PROXIMAL, WITH EARLY RESPIRATORY MUSCLE INVOLVEMENT; Hereditary myopathy with early respiratory failure. Identifiers: Orphanet 178464, Orphanet 34521, MedGen C1863599, MONDO:0011362, OMIM 603689.
Tibial muscular dystrophy (TMD). Also called: Udd Distal Myopathy – Tibial Muscular Dystrophy; UDD MYOPATHY; Tibial muscular dystrophy, tardive. Identifiers: Orphanet 609, MedGen C1838244, MONDO:0010870, OMIM 600334.

Allele frequency attached by ClinVar (database versions not stated): 1000 Genomes Project 30x 0.00109; 1000 Genomes Project 0.00140; TOPMed 0.00148; gnomAD 0.00149 and 0.00154; gnomAD exomes 0.00165 and 0.00321; ExAC 0.00184; ESP Exome Variant Server 0.00212.
gnomAD v4.1: 4,748 of 1,564,470 alleles (0.3%); highest among the groups gnomAD compares: Non-Finnish European, 0.39%; 419 homozygotes.

Submissions (12):

CeGaT Center for Human Genetics Tuebingen
Classification: Likely benign. Last evaluated: 2026-08-01. Review status: criteria provided, single submitter. Criteria: CeGaT Center For Human Genetics Tuebingen Variant Classification Criteria Version 2. Collection method: clinical testing. Allele origin: germline. Affected: yes. Observed: 16 variant alleles.
Comment: TTN: BP4, BS2

Labcorp Genetics (formerly Invitae), Labcorp
Classification: Benign for Dilated cardiomyopathy 1G; Autosomal recessive limb-girdle muscular dystrophy type 2J. Last evaluated: 2024-10-25. Review status: criteria provided, single submitter. Criteria: Invitae Variant Classification Sherloc (09022015). Collection method: clinical testing. Allele origin: germline.

Genome-Nilou Lab
Classification: Benign for Autosomal recessive limb-girdle muscular dystrophy type 2J. Last evaluated: 2021-09-10. Review status: criteria provided, single submitter. Criteria: ACMG Guidelines, 2015. Collection method: clinical testing. Allele origin: germline. Affected: no.

Genome-Nilou Lab
Classification: Benign for Myopathy, myofibrillar, 9, with early respiratory failure. Last evaluated: 2021-09-10. Review status: criteria provided, single submitter. Criteria: ACMG Guidelines, 2015. Collection method: clinical testing. Allele origin: germline. Affected: no.

Genome-Nilou Lab
Classification: Benign for Early-onset myopathy with fatal cardiomyopathy. Last evaluated: 2021-09-10. Review status: criteria provided, single submitter. Criteria: ACMG Guidelines, 2015. Collection method: clinical testing. Allele origin: germline. Affected: no.

Genome-Nilou Lab
Classification: Benign for Tibial muscular dystrophy. Last evaluated: 2021-09-10. Review status: criteria provided, single submitter. Criteria: ACMG Guidelines, 2015. Collection method: clinical testing. Allele origin: germline. Affected: no.

Biesecker Lab/Clinical Genomics Section, National Institutes of Health
Classification: Likely benign. Last evaluated: 2013-06-24. Review status: criteria provided, single submitter. Criteria: Ng et al. (Circ Cardiovasc Genet. 2013). Collection method: research. Allele origin: unknown. Observed: 4 variant alleles. Study: ClinSeq.
Comment: The study set was not selected for affection status in relation to any cancer. Pathogenicity categories were based on literature curation. See Pubmed ID:23861362 for details.

Medical sequencing

PreventionGenetics, part of Exact Sciences
Classification: Likely benign for TTN-related condition. Last evaluated: 2019-12-06. Review status: no assertion criteria provided. Collection method: clinical testing. Allele origin: germline. Not counted in ClinVar's aggregate classification.
Comment: This variant is classified as likely benign based on ACMG/AMP sequence variant interpretation guidelines (Richards et al. 2015 PMID: 25741868, with internal and published modifications).

Clinical Genetics DNA and cytogenetics Diagnostics Lab, Erasmus MC, Erasmus Medical Center
Classification: Likely benign. Review status: no assertion criteria provided. Collection method: clinical testing. Allele origin: germline. Affected: yes. Study: VKGL Data-share Consensus. Not counted in ClinVar's aggregate classification.

Diagnostic Laboratory, Department of Genetics, University Medical Center Groningen
Classification: Likely benign. Review status: no assertion criteria provided. Collection method: clinical testing. Allele origin: germline. Affected: yes. Study: VKGL Data-share Consensus. Not counted in ClinVar's aggregate classification.

Genome Diagnostics Laboratory, University Medical Center Utrecht
Classification: Benign. Review status: no assertion criteria provided. Collection method: clinical testing. Allele origin: germline. Affected: yes. Study: VKGL Data-share Consensus. Not counted in ClinVar's aggregate classification.

Laboratory of Diagnostic Genome Analysis, Leiden University Medical Center (LUMC)
Classification: Likely benign. Review status: no assertion criteria provided. Collection method: clinical testing. Allele origin: germline. Affected: yes. Study: VKGL Data-share Consensus. Not counted in ClinVar's aggregate classification.

NM_001267550.2(TTN):c.36676A>G (p.Lys12226Glu)

Gene: TTN (titin; minus strand). Cytogenetic location: 2q31.2.
Variant type: single nucleotide variant.
Coding change: c.36676A>G on transcript NM_001267550.2 (MANE Select); coding-DNA position 36676, A replaced by G.
Protein change: p.Lys12226Glu; replaces lysine 12226 with glutamic acid.
Molecular consequence: missense variant. On other transcripts: intron variant (4).
Genome position (GRCh38, 1-based): chr2:178,663,290, T>C on the plus strand (A>G on the coding strand, the complement: TTN is on the minus strand). VCF-style: chr2-178663290-T-C. GRCh37 (hg19) VCF-style: chr2-179528017-T-C.
Other names: c.13283-20973A>G (NM_003319.4); c.13859-20973A>G (NM_133437.4); c.13658-20973A>G (NM_133432.3); c.34265-235A>G (NM_001256850.1); c.31484-235A>G (NM_133378.4); short protein forms K12226E.
Identifiers: ClinVar variation 192172 (VCV000192172.54), dbSNP rs200815663, ClinGen allele CA238512.